The following is an entry in ClinVar:

ClinVar aggregate classification (germline): Uncertain significance (1 of 4 stars; one submission).

Conditions:
Short-rib thoracic dysplasia 10 with or without polydactyly (SRTD10). Identifiers: Orphanet 474, MedGen C3810175, MONDO:0014284, OMIM 615630.
Retinitis pigmentosa 71 (RP71). Identifiers: Orphanet 791, MedGen C4225342, MONDO:0014618, OMIM 616394.

Submission:

Labcorp Genetics (formerly Invitae), Labcorp
Classification: Uncertain significance for Retinitis pigmentosa 71; Short-rib thoracic dysplasia 10 with or without polydactyly. Last evaluated: 2020-05-28. Review status: criteria provided, single submitter. Criteria: Invitae Variant Classification Sherloc (09022015). Collection method: clinical testing. Allele origin: germline.
Comment: In summary, the available evidence is currently insufficient to determine the role of this variant in disease. Therefore, it has been classified as a Variant of Uncertain Significance. This variant is not present in population databases (ExAC no frequency). This sequence change replaces aspartic acid with histidine at codon 969 of the IFT172 protein (p.Asp969His). The aspartic acid residue is moderately conserved and there is a moderate physicochemical difference between aspartic acid and histidine. Algorithms developed to predict the effect of missense changes on protein structure and function (SIFT, PolyPhen-2, Align-GVGD) all suggest that this variant is likely to be tolerated, but these predictions have not been confirmed by published functional studies and their clinical significance is uncertain. This variant has not been reported in the literature in individuals with IFT172-related conditions.

NM_015662.3(IFT172):c.2905G>C (p.Asp969His)

Gene: IFT172 (intraflagellar transport 172; minus strand). Cytogenetic location: 2p23.3.
Variant type: single nucleotide variant.
Coding change: c.2905G>C on transcript NM_015662.3 (MANE Select); coding-DNA position 2905, G replaced by C.
Protein change: p.Asp969His; replaces aspartic acid 969 with histidine.
Molecular consequence: missense variant.
Genome position (GRCh38, 1-based): chr2:27,458,196, C>G on the plus strand (G>C on the coding strand, the complement: IFT172 is on the minus strand). VCF-style: chr2-27458196-C-G. GRCh37 (hg19) VCF-style: chr2-27681063-C-G.
Other names: short protein forms D969H.
Identifiers: ClinVar variation 1023259 (VCV001023259.8), dbSNP rs1666329493, ClinGen allele CA346381271.
Genomic context (GRCh38, chr2:27,458,196, plus strand): 5'-CACGGTACTTGCCCTGCTTCTCCATTTCCTGGGCCTGAGTGATGTATAGCACTGACACAT[C>G]TTCTGGTCTCATGCATTTCATCGCCAGCTGTGGAGGCACAGAGGCAAGGCAGCCTCAGAT-3'
Protein context (NP_056477.1, residues 959-979): KLAMKCMRPE[Asp969His]VSVLYITQAQ